The following is an entry in ClinVar:

ClinVar aggregate classification (germline): Conflicting classifications of pathogenicity. Review status: criteria provided, conflicting classifications (1 of 4 stars). 2 submissions from 2 submitters: Uncertain significance (1); Likely benign (1). Last evaluated 2023-07-12.

Conditions:
Familial hypocalciuric hypercalcemia (FHH). Also called: Familial benign hypercalcemia. Identifiers: Orphanet 405, MedGen C1809471, MONDO:0018458.
Autosomal dominant hypocalcemia 1 (HYPOC1). Also called: HYPOCALCEMIA, FAMILIAL. Identifiers: MedGen C3715128, MONDO:0011013, OMIM 601198.
Nephrolithiasis/nephrocalcinosis. Identifiers: MedGen CN580796.

Allele frequency attached by ClinVar (database versions not stated): gnomAD exomes below 0.00001 and 0.00001; ExAC 0.00001; gnomAD 0.00001; TOPMed 0.00001.

Submissions (2):

Labcorp Genetics (formerly Invitae), Labcorp
Classification: Likely benign for Familial hypocalciuric hypercalcemia; Autosomal dominant hypocalcemia 1. Last evaluated: 2023-07-12. Review status: criteria provided, single submitter. Criteria: Invitae Variant Classification Sherloc (09022015). Collection method: clinical testing. Allele origin: germline.

Ambry Genetics
Classification: Uncertain significance for Nephrolithiasis/nephrocalcinosis. Last evaluated: 2021-06-19. Review status: criteria provided, single submitter. Criteria: Ambry Variant Classification Scheme 2023. Collection method: clinical testing. Allele origin: germline.
Comment: The p.V1027I variant (also known as c.3079G>A), located in coding exon 6 of the CASR gene, results from a G to A substitution at nucleotide position 3079. The valine at codon 1027 is replaced by isoleucine, an amino acid with highly similar properties. This amino acid position is conserved. In addition, this alteration is predicted to be tolerated by in silico analysis. Since supporting evidence is limited at this time, the clinical significance of this alteration remains unclear.

NM_000388.4(CASR):c.3079G>A (p.Val1027Ile)

Gene: CASR (calcium sensing receptor; plus strand). Cytogenetic location: 3q21.1.
Variant type: single nucleotide variant.
Coding change: c.3079G>A on transcript NM_000388.4 (MANE Select); coding-DNA position 3079, G replaced by A.
Protein change: p.Val1027Ile; replaces valine 1027 with isoleucine.
Molecular consequence: missense variant.
Genome position (GRCh38, 1-based): chr3:122,285,033, G>A. VCF-style: chr3-122285033-G-A. GRCh37 (hg19) VCF-style: chr3-122003880-G-A.
Other names: c.3109G>A, p.Val1037Ile (NM_001178065.2); short protein forms V1037I, V1027I.
Identifiers: ClinVar variation 659415 (VCV000659415.13), dbSNP rs776184769, ClinGen allele CA2569929.